The following is an entry in ClinVar:

ClinVar aggregate classification (germline): Likely pathogenic (1 of 4 stars; one submission).

Conditions:
Ehlers-Danlos syndrome, classic type, 1 (EDSCL1). Also called: EHLERS-DANLOS SYNDROME, GRAVIS TYPE; EHLERS-DANLOS SYNDROME, SEVERE CLASSIC TYPE; EDS I; Ehlers-Danlos Syndrome, Classic Type, COL5A1-Related; Ehlers-Danlos syndrome, type 1. Identifiers: MedGen C0268335, MONDO:0019567, OMIM 130000.

Submission:

Labcorp Genetics (formerly Invitae), Labcorp
Classification: Likely pathogenic for Ehlers-Danlos syndrome, classic type, 1. Last evaluated: 2022-08-10. Review status: criteria provided, single submitter. Criteria: Invitae Variant Classification Sherloc (09022015). Collection method: clinical testing. Allele origin: germline.
Comment: This variant results in the deletion of part of exon 64 (c.5136_5136+8delinsTGAATTCCCAC) of the COL5A1 gene. It is expected to disrupt RNA splicing. Variants that disrupt the donor or acceptor splice site typically lead to a loss of protein function (PMID: 16199547), and loss-of-function variants in COL5A1 are known to be pathogenic (PMID: 23587214). Information on the frequency of this variant in the gnomAD database is not available, as this variant may be reported differently in the database. This variant has not been reported in the literature in individuals affected with COL5A1-related conditions. Algorithms developed to predict the effect of sequence changes on RNA splicing suggest that this variant may disrupt the consensus splice site. In summary, the currently available evidence indicates that the variant is pathogenic, but additional data are needed to prove that conclusively. Therefore, this variant has been classified as Likely Pathogenic.

Literature cited by the submitters: PubMed 16199547; PubMed 23587214.

NM_000093.5(COL5A1):c.5136_5136+8delinsTGAATTCCCAC

Genes: COL5A1 (collagen type V alpha 1 chain; plus strand), LOC101448202 (uncharacterized LOC101448202; minus strand). Cytogenetic location: 9q34.3.
Variant type: Indel.
Coding change: c.5136_5136+8delinsTGAATTCCCAC on transcript NM_000093.5 (MANE Select); coding-DNA position 5136 through 8 bases into the intron after coding-DNA position 5136, GGTAAGGTG replaced by TGAATTCCCAC.
Molecular consequence: splice donor variant. On other transcripts: intron variant (1).
Genome position (GRCh38, 1-based): chr9:134,830,044-134,830,052, GGTAAGGTG replaced by TGAATTCCCAC. VCF-style: chr9-134830044-GGTAAGGTG-TGAATTCCCAC. GRCh37 (hg19) VCF-style: chr9-137721890-GGTAAGGTG-TGAATTCCCAC.
Other names: c.5068-64_5068-56delinsTGAATTCCCAC (NM_001278074.1).
Identifiers: ClinVar variation 971250 (VCV000971250.6), dbSNP rs1839537297, ClinGen allele CA1139661330.